The following is an entry in ClinVar:

NM_058195.4(CDKN2A):c.194-3653G>C

Genes: CDKN2A (cyclin dependent kinase inhibitor 2A; minus strand), LOC130001603 (ATAC-STARR-seq lymphoblastoid silent region 19811; plus strand). Cytogenetic location: 9p21.3.
Variant type: single nucleotide variant.
Coding change: c.194-3653G>C on transcript NM_058195.4 (MANE Plus Clinical); 3653 bases into the intron before coding-DNA position 194, G replaced by C.
Molecular consequence: intron variant. On other transcripts: genic upstream transcript variant (1).
Genome position (GRCh38, 1-based): chr9:21,974,861, C>G on the plus strand (G>C on the coding strand, the complement: CDKN2A is on the minus strand). VCF-style: chr9-21974861-C-G. GRCh37 (hg19) VCF-style: chr9-21974860-C-G.
Other names: c.-34G>C (NM_000077.5, NM_000077.6); c.-3-3653G>C (NM_001363763.2).
Identifiers: ClinVar variation 245907 (VCV000245907.25), dbSNP rs1800586, ClinGen allele CA5012355.

ClinVar aggregate classification (germline): Conflicting classifications of pathogenicity. Review status: criteria provided, conflicting classifications (1 of 4 stars). 8 submissions from 8 submitters: Uncertain significance (3); Benign (1); Likely benign (2). 2 of the submissions do not count toward it. Last evaluated 2026-05-05.

Conditions:
CDKN2A-related disorder. Also called: CDKN2A-related condition.
Familial melanoma. Also called: Hereditary melanoma; Hereditary cutaneous melanoma. Identifiers: Orphanet 618, MedGen C1512419, MONDO:0018961.
Hereditary cancer-predisposing syndrome. Also called: Hereditary Cancer Syndrome; Tumor predisposition; Hereditary neoplastic syndrome; Neoplastic Syndromes, Hereditary. Identifiers: Orphanet 140162, MedGen C0027672, MeSH D009386, MONDO:0015356.
Melanoma-pancreatic cancer syndrome. Identifiers: Orphanet 404560, MedGen C1838547, MONDO:0011713, OMIM 606719. Disease mechanism: loss of function.

Allele frequency attached by ClinVar (database versions not stated): 1000 Genomes Project 30x 0.00016; 1000 Genomes Project 0.00020; TOPMed 0.00028.
gnomAD v4.1: 67 of 1,509,518 alleles (0.0044%); highest among the groups gnomAD compares: African/African-American, 0.068%; no homozygotes.

Submissions (8):

Ambry Genetics
Classification: Benign for Hereditary cancer-predisposing syndrome. Last evaluated: 2026-05-05. Review status: criteria provided, single submitter. Criteria: Ambry Variant Classification Scheme 2023. Collection method: clinical testing. Allele origin: germline.

Labcorp Genetics (formerly Invitae), Labcorp
Classification: Likely benign for Familial melanoma. Last evaluated: 2026-01-31. Review status: criteria provided, single submitter. Criteria: Invitae Variant Classification Sherloc (09022015). Collection method: clinical testing. Allele origin: germline.

Color Diagnostics, LLC DBA Color Health
Classification: Uncertain significance for Hereditary cancer-predisposing syndrome. Last evaluated: 2025-03-11. Review status: criteria provided, single submitter. Criteria: ACMG Guidelines, 2015. Collection method: clinical testing. Allele origin: germline.
Comment: The CDKN2A locus encodes two different gene products, p16INK4a and p14ARF. This variant is located in 5' untranslated region of the CDKN2A (p16INK4A) gene. To our knowledge, functional studies have not been reported for this variant. This variant has been reported in individuals affected with melanoma (PMID: 21801156, 37568588) and in an individual affected affected with prostate and colorectal cancer (PMID: 27978560). This variant has also been identified in 13/146754 chromosomes in the general population by the Genome Aggregation Database (gnomAD). The available evidence is insufficient to determine the role of this variant in disease conclusively. Therefore, this variant is classified as a Variant of Uncertain Significance.

Sema4
Classification: Uncertain significance for Hereditary cancer-predisposing syndrome. Last evaluated: 2021-06-15. Review status: criteria provided, single submitter. Criteria: Sema4 Curation Guidelines. Collection method: curation. Allele origin: germline.
Comment: The CDKN2A c.-34G>C variant has been reported in heterozygosity in at least 2 individuals with primary melanoma and colorectal cancer (PMID 21801156, 27978560). This variant was observed in 9/14562 chromosomes in the African/African American population, according to the Genome Aggregation Database (PMID: 32461654). This variant has been reported in ClinVar (Variation ID: 245907). The variant is a substitution in the 5' UTR and the consequence of this change is not predictable. The overall evidence is inconsistent with ACMG/AMP requirements for a classification of benign or pathogenic. In summary, the clinical significance of this variant is currently uncertain.

GeneDx
Classification: Likely benign. Last evaluated: 2019-09-12. Review status: criteria provided, single submitter. Criteria: GeneDx Variant Classification Process June 2021. Collection method: clinical testing. Allele origin: germline. Affected: yes.
Comment: This variant is associated with the following publications: (PMID: 21801156, 27978560, 30291219)

Quest Diagnostics Nichols Institute San Juan Capistrano
Classification: Uncertain significance. Last evaluated: 2017-04-03. Review status: criteria provided, single submitter. Criteria: Quest Diagnostics criteria. Collection method: clinical testing. Allele origin: germline.

PreventionGenetics, part of Exact Sciences
Classification: Likely benign for CDKN2A-related condition. Last evaluated: 2021-02-22. Review status: no assertion criteria provided. Collection method: clinical testing. Allele origin: germline. Not counted in ClinVar's aggregate classification.
Comment: This variant is classified as likely benign based on ACMG/AMP sequence variant interpretation guidelines (Richards et al. 2015 PMID: 25741868, with internal and published modifications).

Counsyl
Classification: Uncertain significance for Melanoma-pancreatic cancer syndrome. Last evaluated: 2016-11-09. Review status: no assertion criteria provided. Collection method: clinical testing. Allele origin: unknown. Not counted in ClinVar's aggregate classification.

Literature cited by the submitters: PubMed 21801156 (cited by 4 submitters); PubMed 27978560 (cited by 3 submitters); PubMed 37568588 (cited by Color Diagnostics, LLC DBA Color Health).